The following is an entry in ClinVar:

ClinVar aggregate classification (germline): Uncertain significance (1 of 4 stars; one submission).

gnomAD v4.1: 2 of 1,613,862 alleles (0.00012%); highest among the groups gnomAD compares: Non-Finnish European, 0.00017%; no homozygotes.

Submission:

GeneDx
Classification: Uncertain significance. Last evaluated: 2025-08-07. Review status: criteria provided, single submitter. Criteria: GeneDx Variant Classification Process June 2021. Collection method: clinical testing. Allele origin: germline. Affected: yes.
Comment: Not observed at significant frequency in large population cohorts (gnomAD); Missense variants in this gene are a common cause of disease and they are underrepresented in the general population; In silico analysis supports that this missense variant has a deleterious effect on protein structure/function; Has not been previously published as pathogenic or benign to our knowledge; This variant is associated with the following publications: (PMID: 20829227)

NM_006086.4(TUBB3):c.880T>G (p.Phe294Val)

Gene: TUBB3 (tubulin beta 3 class III; plus strand). Cytogenetic location: 16q24.3.
Variant type: single nucleotide variant.
Coding change: c.880T>G on transcript NM_006086.4 (MANE Select); coding-DNA position 880, T replaced by G.
Protein change: p.Phe294Val; replaces phenylalanine 294 with valine.
Molecular consequence: missense variant.
Genome position (GRCh38, 1-based): chr16:89,935,331, T>G. VCF-style: chr16-89935331-T-G. GRCh37 (hg19) VCF-style: chr16-90001739-T-G.
Other names: c.664T>G, p.Phe222Val (NM_001197181.2); short protein forms F222V, F294V.
Identifiers: ClinVar variation 4755661 (VCV004755661.1).
Genomic context (GRCh38, chr16:89,935,331, plus strand): 5'-ACAGCCCGGGGCAGCCAGCAGTACCGGGCCCTGACCGTGCCCGAGCTCACCCAGCAGATG[T>G]TCGATGCCAAGAACATGATGGCCGCCTGCGACCCGCGCCACGGCCGCTACCTGACGGTGG-3'
Protein context (NP_006077.2, residues 284-304): LTVPELTQQM[Phe294Val]DAKNMMAACD